The following is an entry in ClinVar:

ClinVar aggregate classification (germline): Likely benign. Review status: criteria provided, single submitter (1 of 4 stars). 2 submissions from 2 submitters: Likely benign (1). 1 of the submissions does not count toward it. Last evaluated 2023-09-01.

Conditions:
TNIK-related disorder. Also called: TNIK-related condition.

Allele frequency attached by ClinVar (database versions not stated): gnomAD exomes 0.00001; gnomAD 0.00002; ExAC 0.00003; ESP Exome Variant Server 0.00008.
gnomAD v4.1: 19 of 1,612,758 alleles (0.0012%); highest among the groups gnomAD compares: Middle Eastern, 0.066%; no homozygotes.

Submissions (2):

CeGaT Center for Human Genetics Tuebingen
Classification: Likely benign. Last evaluated: 2023-09-01. Review status: criteria provided, single submitter. Criteria: CeGaT Center For Human Genetics Tuebingen Variant Classification Criteria Version 2. Collection method: clinical testing. Allele origin: germline. Affected: yes. Observed: 1 variant allele.
Comment: TNIK: BP4, BP7

PreventionGenetics, part of Exact Sciences
Classification: Likely benign for TNIK-related condition. Last evaluated: 2019-05-07. Review status: no assertion criteria provided. Collection method: clinical testing. Allele origin: germline. Not counted in ClinVar's aggregate classification.
Comment: This variant is classified as likely benign based on ACMG/AMP sequence variant interpretation guidelines (Richards et al. 2015 PMID: 25741868, with internal and published modifications).

NM_015028.4(TNIK):c.1272C>T (p.Arg424=)

Gene: TNIK (TRAF2 and NCK interacting kinase; minus strand). Cytogenetic location: 3q26.2.
Variant type: single nucleotide variant.
Coding change: c.1272C>T on transcript NM_015028.4 (MANE Select); coding-DNA position 1272, C replaced by T.
Protein change: p.Arg424=; no amino-acid change (arginine 424 retained).
Molecular consequence: synonymous variant.
Genome position (GRCh38, 1-based): chr3:171,140,459, G>A on the plus strand (C>T on the coding strand, the complement: TNIK is on the minus strand). VCF-style: chr3-171140459-G-A. GRCh37 (hg19) VCF-style: chr3-170858248-G-A.
Other names: c.1272C>T, p.Arg424= (NM_001161565.3, NM_001161566.3, NM_001161560.3 and 4 more transcripts); c.1272C>T (NM_015028.3).
Identifiers: ClinVar variation 2654276 (VCV002654276.25), dbSNP rs376964973, ClinGen allele CA2703541.
Genomic context (GRCh38, chr3:171,140,459, plus strand): 5'-CTGTTCATGCTCCGCACGCCTCCTCTCCTCCTCCCGGCGCATCTGCTCCTCATAGTGCCG[G>A]CGCTGCTCCCTCTCCTGCTGCTTCCGCAGCTCCTTCTCTCGCCTTTGTTGCTGTGGGGCA-3'
Protein context (NP_055843.1, residues 414-434): ELRKQQEREQ[Arg424=]RHYEEQMRRE